The following is an entry in ClinVar:

ClinVar aggregate classification (germline): Uncertain significance (1 of 4 stars; one submission).

Submission:

GeneDx
Classification: Uncertain significance. Last evaluated: 2023-09-29. Review status: criteria provided, single submitter. Criteria: GeneDx Variant Classification Process June 2021. Collection method: clinical testing. Allele origin: germline. Affected: yes.
Comment: Not observed at significant frequency in large population cohorts (gnomAD); In-frame insertion of 4 amino acids in a non-repeat region; In silico analysis supports that this variant does not alter protein structure/function; Has not been previously published as pathogenic or benign to our knowledge

NM_000153.4(GALC):c.100_111dup (p.Leu37_Ala38insCysAlaLeuLeu)

Gene: GALC (galactosylceramidase; minus strand). Cytogenetic location: 14q31.3.
Variant type: Duplication.
Coding change: c.100_111dup on transcript NM_000153.4 (MANE Select); coding-DNA positions 100 to 111, 12 bases duplicated (TGTGCGCTGCTG).
Protein change: p.Leu37_Ala38insCysAlaLeuLeu.
Molecular consequence: 5 prime UTR variant (on NM_001424072.1). On other transcripts: non-coding transcript variant (1), intron variant (2).
Genome position (GRCh38, 1-based): chr14:87,993,054-87,993,065, CAGCAGCGCACA duplicated on the plus strand (TGTGCGCTGCTG on the coding strand, the reverse complement: GALC is on the minus strand); duplicating any 12 consecutive bases within chr14:87,993,054-87,993,072 gives the same sequence; the c. name uses the placement nearest the transcript's 3' end. VCF-style (leftmost placement, unchanged base first): chr14-87993053-C-CCAGCAGCGCACA. GRCh37 (hg19) VCF-style: chr14-88459397-C-CCAGCAGCGCACA.
Other names: c.100_111dup, p.Leu37_Ala38insCysAlaLeuLeu (NM_001201401.2); c.-171_-160dup (NM_001424072.1); c.-337_-326dup (NM_001424075.1); c.-568_-557dup (NM_001424077.1); c.-473+318_-473+329dup (NM_001424076.1); c.117+318_117+329dup (NM_001201402.2).
Identifiers: ClinVar variation 3361912 (VCV003361912.1).